The following is an entry in ClinVar:

NM_015404.4(WHRN):c.2419C>G (p.Pro807Ala)

Gene: WHRN (whirlin; minus strand). Cytogenetic location: 9q32.
Variant type: single nucleotide variant.
Coding change: c.2419C>G on transcript NM_015404.4 (MANE Select); coding-DNA position 2419, C replaced by G.
Protein change: p.Pro807Ala; replaces proline 807 with alanine.
Molecular consequence: missense variant.
Genome position (GRCh38, 1-based): chr9:114,403,339, G>C on the plus strand (C>G on the coding strand, the complement: WHRN is on the minus strand). VCF-style: chr9-114403339-G-C. GRCh37 (hg19) VCF-style: chr9-117165619-G-C.
Other names: c.1270C>G, p.Pro424Ala (NM_001083885.3); c.2416C>G, p.Pro806Ala (NM_001173425.2); c.1366C>G, p.Pro456Ala (NM_001346890.1); short protein forms P807A, P424A, P806A, P456A.
Identifiers: ClinVar variation 593108 (VCV000593108.14), dbSNP rs569112844, ClinGen allele CA5205627.

ClinVar aggregate classification (germline): Uncertain significance. Review status: criteria provided, multiple submitters, no conflicts (2 of 4 stars). 4 submissions from 3 submitters: Uncertain significance (4). Last evaluated 2022-02-03.

Conditions:
Usher syndrome type 2D. Also called: USHER SYNDROME, TYPE IID. Identifiers: Orphanet 231178, Orphanet 886, MedGen C1568249, MONDO:0012662, OMIM 611383.
Autosomal recessive nonsyndromic hearing loss 31. Also called: WHIRLER, MOUSE, HOMOLOG OF. Identifiers: Orphanet 90636, MedGen C1846839, MONDO:0011767, OMIM 607084.

Allele frequency attached by ClinVar (database versions not stated): TOPMed below 0.00001; gnomAD 0.00001 and 0.00002; gnomAD exomes 0.00006 and 0.00013; ExAC 0.00013.
gnomAD v4.1: 91 of 1,613,898 alleles (0.0056%); highest among the groups gnomAD compares: South Asian, 0.099%; no homozygotes.

Submissions (4):

Labcorp Genetics (formerly Invitae), Labcorp
Classification: Uncertain significance. Last evaluated: 2022-02-03. Review status: criteria provided, single submitter. Criteria: Invitae Variant Classification Sherloc (09022015). Collection method: clinical testing. Allele origin: germline.
Comment: This sequence change replaces proline, which is neutral and non-polar, with alanine, which is neutral and non-polar, at codon 807 of the WHRN protein (p.Pro807Ala). This variant is present in population databases (rs569112844, gnomAD 0.1%). This variant has not been reported in the literature in individuals affected with WHRN-related conditions. ClinVar contains an entry for this variant (Variation ID: 593108). Algorithms developed to predict the effect of missense changes on protein structure and function are either unavailable or do not agree on the potential impact of this missense change (SIFT: "Tolerated"; PolyPhen-2: "Possibly Damaging"; Align-GVGD: "Class C0"). In summary, the available evidence is currently insufficient to determine the role of this variant in disease. Therefore, it has been classified as a Variant of Uncertain Significance.

Illumina Laboratory Services, Illumina
Classification: Uncertain significance for Usher syndrome type 2D. Last evaluated: 2018-01-12. Review status: criteria provided, single submitter. Criteria: ICSL Variant Classification Criteria 13 December 2019. Collection method: clinical testing. Allele origin: germline.

Illumina Laboratory Services, Illumina
Classification: Uncertain significance for Autosomal recessive nonsyndromic hearing loss 31. Last evaluated: 2018-01-12. Review status: criteria provided, single submitter. Criteria: ICSL Variant Classification Criteria 13 December 2019. Collection method: clinical testing. Allele origin: germline.

Eurofins Ntd Llc (ga)
Classification: Uncertain significance. Last evaluated: 2017-07-25. Review status: criteria provided, single submitter. Criteria: EGL Classification Definitions 2015. Collection method: clinical testing. Allele origin: germline. Observed: 1 variant allele, 1 heterozygote.